The following is an entry in ClinVar:

NM_000277.3(PAH):c.1019T>C (p.Ile340Thr)

Gene: PAH (phenylalanine hydroxylase; minus strand). Cytogenetic location: 12q23.2.
Variant type: single nucleotide variant.
Coding change: c.1019T>C on transcript NM_000277.3 (MANE Select); coding-DNA position 1019, T replaced by C.
Protein change: p.Ile340Thr; replaces isoleucine 340 with threonine.
Molecular consequence: missense variant.
Genome position (GRCh38, 1-based): chr12:102,844,382, A>G on the plus strand (T>C on the coding strand, the complement: PAH is on the minus strand). VCF-style: chr12-102844382-A-G. GRCh37 (hg19) VCF-style: chr12-103238160-A-G.
Other names: c.1019T>C, p.Ile340Thr (NM_001354304.2); short protein forms I340T.
Identifiers: ClinVar variation 102469 (VCV000102469.2), dbSNP rs62508720, ClinGen allele CA229270.

ClinVar aggregate classification (germline): Uncertain significance. Review status: reviewed by expert panel (3 of 4 stars). 2 submissions from 2 submitters: Uncertain significance (1). 1 of the submissions does not count toward it. Last evaluated 2019-12-15.

Conditions:
Phenylketonuria (PKU). Also called: Phenylketonuria (PKU); FOLLING DISEASE; OLIGOPHRENIA PHENYLPYRUVICA; Phenylketonurias. Identifiers: Orphanet 716, MedGen C0031485, MONDO:0009861, OMIM 261600. Disease mechanism: loss of function.

Allele frequency attached by ClinVar (database versions not stated): gnomAD exomes below 0.00001.
gnomAD v4.1: 1 of 1,613,992 alleles (0.000062%); highest among the groups gnomAD compares: Non-Finnish European, 0.000085%; no homozygotes.

Submissions (2):

ClinGen PAH Variant Curation Expert Panel
Classification: Uncertain significance for Phenylketonuria. Last evaluated: 2019-12-15. Review status: reviewed by expert panel. Criteria: ClinGen PAH ACMG Specifications v1. Collection method: curation. Allele origin: germline. Inheritance: Autosomal recessive inheritance.
Comment: The c.1019T>C (p.Ile340Thr) variant in PAH has been not been reported in a patient with PAH deficiency (to our knowledge). It was reported to the PAHdb (McGill) by Tyfield in 2003. This variant is absent from controls in ExAC, gnomAD, 1000 Genomes, and ESP. There are conflicting predictions of pathogenicity: SIFT (T); PolyPhen2 (B); REVEL=0.731; MutationTaster (D). In summary, this variant meets criteria to be classified as uncertain significance for PAH. PAH-specific ACMG/AMP criteria applied: PM2.

DeBelle Laboratory for Biochemical Genetics, MUHC/MCH RESEARCH INSTITUTE
No classification provided. Review status: no classification provided. Collection method: not provided. Allele origin: not provided. Not counted in ClinVar's aggregate classification.